The following is an entry in ClinVar:

NM_052865.4(MGME1):c.9G>A (p.Met3Ile)

Genes: MGME1 (mitochondrial genome maintenance exonuclease 1; plus strand), LOC126862983 (CDK7 strongly-dependent group 2 enhancer GRCh37_chr20:17950167-17951366; plus strand). Cytogenetic location: 20p11.23.
Variant type: single nucleotide variant.
Coding change: c.9G>A on transcript NM_052865.4 (MANE Select); coding-DNA position 9, G replaced by A.
Protein change: p.Met3Ile; replaces methionine 3 with isoleucine.
Molecular consequence: missense variant.
Genome position (GRCh38, 1-based): chr20:17,969,868, G>A. VCF-style: chr20-17969868-G-A. GRCh37 (hg19) VCF-style: chr20-17950511-G-A.
Other names: c.9G>A, p.Met3Ile (NM_001310338.2, NM_001310339.2, NM_001363738.2); short protein forms M3I.
Identifiers: ClinVar variation 2063993 (VCV002063993.4), dbSNP rs2515216211, ClinGen allele CA408338529.

ClinVar aggregate classification (germline): Uncertain significance (1 of 4 stars; one submission).

Submission:

Labcorp Genetics (formerly Invitae), Labcorp
Classification: Uncertain significance. Last evaluated: 2021-12-28. Review status: criteria provided, single submitter. Criteria: Invitae Variant Classification Sherloc (09022015). Collection method: clinical testing. Allele origin: germline.
Comment: In summary, the available evidence is currently insufficient to determine the role of this variant in disease. Therefore, it has been classified as a Variant of Uncertain Significance. Algorithms developed to predict the effect of missense changes on protein structure and function are either unavailable or do not agree on the potential impact of this missense change (SIFT: "Tolerated"; PolyPhen-2: "Probably Damaging"; Align-GVGD: "Class C0"). This variant has not been reported in the literature in individuals affected with MGME1-related conditions. This variant is not present in population databases (gnomAD no frequency). This sequence change replaces methionine, which is neutral and non-polar, with isoleucine, which is neutral and non-polar, at codon 3 of the MGME1 protein (p.Met3Ile).